The following is an entry in ClinVar:

NM_004519.4(KCNQ3):c.2549C>T (p.Ser850Phe)

Gene: KCNQ3 (potassium voltage-gated channel subfamily Q member 3; minus strand). Cytogenetic location: 8q24.22.
Variant type: single nucleotide variant.
Coding change: c.2549C>T on transcript NM_004519.4 (MANE Select); coding-DNA position 2549, C replaced by T.
Protein change: p.Ser850Phe; replaces serine 850 with phenylalanine.
Molecular consequence: missense variant.
Genome position (GRCh38, 1-based): chr8:132,129,332, G>A on the plus strand (C>T on the coding strand, the complement: KCNQ3 is on the minus strand). VCF-style: chr8-132129332-G-A. GRCh37 (hg19) VCF-style: chr8-133141579-G-A.
Other names: c.2189C>T, p.Ser730Phe (NM_001204824.2); short protein forms S730F, S850F.
Identifiers: ClinVar variation 5001779 (VCV005001779.1).

ClinVar aggregate classification (germline): Uncertain significance (1 of 4 stars; one submission).

Conditions:
KCNQ3-related disorder. Also called: KCNQ3-Related Disorders; KCNQ3-related condition. Identifiers: MedGen CN381530.

Submission:

PreventionGenetics, part of Exact Sciences
Classification: Uncertain significance for KCNQ3-related condition. Last evaluated: 2024-12-22. Review status: criteria provided, single submitter. Criteria: ACMG Guidelines, 2015. Collection method: clinical testing. Allele origin: germline.
Comment: The KCNQ3 c.2549C>T variant is predicted to result in the amino acid substitution p.Ser850Phe. To our knowledge, this variant has not been reported in the literature or in a large population database (gnomAD), indicating this variant is rare. At this time, the clinical significance of this variant is uncertain due to the absence of conclusive functional and genetic evidence.